The following is an entry in ClinVar:

NM_177438.3(DICER1):c.2500T>C (p.Ser834Pro)

Gene: DICER1 (dicer 1, ribonuclease III; minus strand). Cytogenetic location: 14q32.13.
Variant type: single nucleotide variant.
Coding change: c.2500T>C on transcript NM_177438.3 (MANE Select); coding-DNA position 2500, T replaced by C.
Protein change: p.Ser834Pro; replaces serine 834 with proline.
Molecular consequence: missense variant.
Genome position (GRCh38, 1-based): chr14:95,108,030, A>G on the plus strand (T>C on the coding strand, the complement: DICER1 is on the minus strand). VCF-style: chr14-95108030-A-G. GRCh37 (hg19) VCF-style: chr14-95574367-A-G.
Other names: c.2500T>C, p.Ser834Pro (NM_001195573.1, NM_001271282.3, NM_001291628.2 and 1 more transcripts); short protein forms S834P.
Identifiers: ClinVar variation 1460864 (VCV001460864.7), dbSNP rs2140025747, ClinGen allele CA390881896.

ClinVar aggregate classification (germline): Uncertain significance (1 of 4 stars; one submission).

Conditions:
DICER1-related tumor predisposition. Also called: DICER1-related pleuropulmonary blastoma cancer predisposition syndrome; DICER1 syndrome. Identifiers: Orphanet 284343, MedGen C3839822, MONDO:0100216.

Submission:

Labcorp Genetics (formerly Invitae), Labcorp
Classification: Uncertain significance for DICER1-related tumor predisposition. Last evaluated: 2024-10-29. Review status: criteria provided, single submitter. Criteria: Invitae Variant Classification Sherloc (09022015). Collection method: clinical testing. Allele origin: germline.
Comment: This sequence change replaces serine, which is neutral and polar, with proline, which is neutral and non-polar, at codon 834 of the DICER1 protein (p.Ser834Pro). This variant is not present in population databases (gnomAD no frequency). This variant has not been reported in the literature in individuals affected with DICER1-related conditions. ClinVar contains an entry for this variant (Variation ID: 1460864). Invitae Evidence Modeling of protein sequence and biophysical properties (such as structural, functional, and spatial information, amino acid conservation, physicochemical variation, residue mobility, and thermodynamic stability) indicates that this missense variant is not expected to disrupt DICER1 protein function with a negative predictive value of 95%. In summary, the available evidence is currently insufficient to determine the role of this variant in disease. Therefore, it has been classified as a Variant of Uncertain Significance.